The following is an entry in ClinVar:

ClinVar aggregate classification (germline): Uncertain significance. Review status: criteria provided, multiple submitters, no conflicts (2 of 4 stars). 3 submissions from 3 submitters: Uncertain significance (3). Last evaluated 2024-09-08.

Conditions:
Kabuki syndrome. Also called: Kabuki make-up syndrome; NIIKAWA-KUROKI SYNDROME. Identifiers: Orphanet 2322, MedGen C0796004, MONDO:0016512.
Kabuki syndrome 1 (KABUK1). Also called: KMT2D-Related Kabuki Syndrome. Identifiers: Orphanet 2322, MedGen CN030661, MONDO:0007843, OMIM 147920.

gnomAD v4.1: 1 of 1,557,658 alleles (0.000064%); highest among the groups gnomAD compares: African/African-American, 0.0014%; no homozygotes.

Submissions (3):

Labcorp Genetics (formerly Invitae), Labcorp
Classification: Uncertain significance for Kabuki syndrome. Last evaluated: 2024-09-08. Review status: criteria provided, single submitter. Criteria: Invitae Variant Classification Sherloc (09022015). Collection method: clinical testing. Allele origin: germline.
Comment: This sequence change replaces proline, which is neutral and non-polar, with leucine, which is neutral and non-polar, at codon 886 of the KMT2D protein (p.Pro886Leu). This variant is not present in population databases (gnomAD no frequency). This missense change has been observed in individual(s) with Kabuki syndrome (PMID: 30459467). ClinVar contains an entry for this variant (Variation ID: 158756). Invitae Evidence Modeling of protein sequence and biophysical properties (such as structural, functional, and spatial information, amino acid conservation, physicochemical variation, residue mobility, and thermodynamic stability) indicates that this missense variant is not expected to disrupt KMT2D protein function with a negative predictive value of 95%. In summary, the available evidence is currently insufficient to determine the role of this variant in disease. Therefore, it has been classified as a Variant of Uncertain Significance.

Revvity Omics, Revvity
Classification: Uncertain significance. Last evaluated: 2022-08-31. Review status: criteria provided, single submitter. Criteria: ACMG Guidelines, 2015. Collection method: clinical testing. Allele origin: germline.

Genetic Services Laboratory, University of Chicago
Classification: Uncertain significance for Kabuki syndrome 1. Last evaluated: 2013-02-08. Review status: criteria provided, single submitter. Criteria: ACMG Guidelines, 2007. Collection method: clinical testing. Allele origin: germline. Inheritance: Autosomal dominant inheritance.

Literature cited by the submitters: PubMed 30459467 (cited by Labcorp Genetics (formerly Invitae), Labcorp).

NM_003482.4(KMT2D):c.2657C>T (p.Pro886Leu)

Gene: KMT2D (lysine methyltransferase 2D; minus strand). Cytogenetic location: 12q13.12.
Variant type: single nucleotide variant.
Coding change: c.2657C>T on transcript NM_003482.4 (MANE Select); coding-DNA position 2657, C replaced by T.
Protein change: p.Pro886Leu; replaces proline 886 with leucine.
Molecular consequence: missense variant.
Genome position (GRCh38, 1-based): chr12:49,051,026, G>A on the plus strand (C>T on the coding strand, the complement: KMT2D is on the minus strand). VCF-style: chr12-49051026-G-A. GRCh37 (hg19) VCF-style: chr12-49444809-G-A.
Other names: short protein forms P886L.
Identifiers: ClinVar variation 158756 (VCV000158756.12), dbSNP rs587783709, ClinGen allele CA271624.